The following is an entry in ClinVar:

ClinVar aggregate classification (germline): Uncertain significance. Review status: criteria provided, multiple submitters, no conflicts (2 of 4 stars). 5 submissions from 5 submitters: Uncertain significance (5). Last evaluated 2025-06-30.

Conditions:
Familial thoracic aortic aneurysm and aortic dissection (TAAD). Also called: Thoracic aortic aneurysms and dissections. Identifiers: Orphanet 91387, MedGen C4707243, MONDO:0019625.
Aortic aneurysm, familial thoracic 4 (AAT4). Also called: AORTIC ANEURYSM/AORTIC DISSECTION AND PATENT DUCTUS ARTERIOSUS. Identifiers: MedGen C1851504, MONDO:0007568, OMIM 132900.

Allele frequency attached by ClinVar (database versions not stated): gnomAD 0.00001; TOPMed 0.00002; ExAC 0.00004.
gnomAD v4.1: 15 of 1,613,898 alleles (0.00093%); highest among the groups gnomAD compares: Admixed American, 0.012%; no homozygotes.

Submissions (5):

Color Diagnostics, LLC DBA Color Health
Classification: Uncertain significance for Familial thoracic aortic aneurysm and aortic dissection. Last evaluated: 2025-06-30. Review status: criteria provided, single submitter. Criteria: ACMG Guidelines, 2015. Collection method: clinical testing. Allele origin: germline.
Comment: This missense variant replaces arginine with tryptophan at codon 1336 of the MYH11 protein. Computational prediction suggests that this variant may have deleterious impact on protein structure and function. To our knowledge, functional studies have not been reported for this variant. This variant has not been reported in individuals affected with MYH11-related disorders in the literature. This variant has been identified in 10/282420 chromosomes in the general population by the Genome Aggregation Database (gnomAD). The available evidence is insufficient to determine the role of this variant in disease conclusively. Therefore, this variant is classified as a Variant of Uncertain Significance.

All of Us Research Program, National Institutes of Health
Classification: Uncertain significance for Familial thoracic aortic aneurysm and aortic dissection. Last evaluated: 2024-09-23. Review status: criteria provided, single submitter. Criteria: ACMG Guidelines, 2015. Collection method: clinical testing. Allele origin: germline. Inheritance: Autosomal dominant inheritance. Observed: 2 variant alleles, 2 heterozygotes.
Comment: This study involves interpretation of variants in research participants for the purpose of population health screening. Participant phenotype was not available at the time of variant classification. Additional details can be found in publication PMID: 35346344, PMCID: PMC8962531

Revvity Omics, Revvity
Classification: Uncertain significance. Last evaluated: 2024-07-08. Review status: criteria provided, single submitter. Criteria: ACMG Guidelines, 2015. Collection method: clinical testing. Allele origin: germline.

Labcorp Genetics (formerly Invitae), Labcorp
Classification: Uncertain significance for Aortic aneurysm, familial thoracic 4. Last evaluated: 2024-01-24. Review status: criteria provided, single submitter. Criteria: Invitae Variant Classification Sherloc (09022015). Collection method: clinical testing. Allele origin: germline.
Comment: This sequence change replaces arginine, which is basic and polar, with tryptophan, which is neutral and slightly polar, at codon 1336 of the MYH11 protein (p.Arg1336Trp). This variant is present in population databases (rs764978285, gnomAD 0.02%). This variant has not been reported in the literature in individuals affected with MYH11-related conditions. ClinVar contains an entry for this variant (Variation ID: 2202242). Advanced modeling of protein sequence and biophysical properties (such as structural, functional, and spatial information, amino acid conservation, physicochemical variation, residue mobility, and thermodynamic stability) performed at Invitae indicates that this missense variant is not expected to disrupt MYH11 protein function with a negative predictive value of 80%. In summary, the available evidence is currently insufficient to determine the role of this variant in disease. Therefore, it has been classified as a Variant of Uncertain Significance.

Ambry Genetics
Classification: Uncertain significance for Familial thoracic aortic aneurysm and aortic dissection. Last evaluated: 2023-03-16. Review status: criteria provided, single submitter. Criteria: Ambry Variant Classification Scheme 2023. Collection method: clinical testing. Allele origin: germline.
Comment: The p.R1329W variant (also known as c.3985C>T), located in coding exon 29 of the MYH11 gene, results from a C to T substitution at nucleotide position 3985. The arginine at codon 1329 is replaced by tryptophan, an amino acid with dissimilar properties. This amino acid position is conserved. In addition, this alteration is predicted to be deleterious by in silico analysis. Since supporting evidence is limited at this time, the clinical significance of this alteration remains unclear.

NM_002474.3(MYH11):c.3985C>T (p.Arg1329Trp)

Genes: MYH11 (myosin heavy chain 11; minus strand), NDE1 (nudE neurodevelopment protein 1; plus strand). Cytogenetic location: 16p13.11.
Variant type: single nucleotide variant.
Coding change: c.3985C>T on transcript NM_002474.3 (MANE Select); coding-DNA position 3985, C replaced by T.
Protein change: p.Arg1329Trp; replaces arginine 1329 with tryptophan.
Molecular consequence: missense variant. On other transcripts: 3 prime UTR variant (2).
Genome position (GRCh38, 1-based): chr16:15,724,778, G>A on the plus strand (C>T on the coding strand, the complement: MYH11 is on the minus strand). VCF-style: chr16-15724778-G-A. GRCh37 (hg19) VCF-style: chr16-15818635-G-A.
Other names: c.4006C>T, p.Arg1336Trp (NM_001040113.2, NM_001040114.2); c.3985C>T, p.Arg1329Trp (NM_022844.3); c.*527G>A (NM_001143979.2, NM_017668.3); short protein forms R1336W, R1329W.
Identifiers: ClinVar variation 2202242 (VCV002202242.9), dbSNP rs764978285, ClinGen allele CA7921816.